The following is an entry in ClinVar:

NM_014974.3(DIP2C):c.23G>A (p.Gly8Asp)

Gene: DIP2C (DIP2 acetate--CoA ligase C (putative); minus strand). Cytogenetic location: 10p15.3.
Variant type: single nucleotide variant.
Coding change: c.23G>A on transcript NM_014974.3 (MANE Select); coding-DNA position 23, G replaced by A.
Protein change: p.Gly8Asp; replaces glycine 8 with aspartic acid.
Molecular consequence: missense variant.
Genome position (GRCh38, 1-based): chr10:689,556, C>T on the plus strand (G>A on the coding strand, the complement: DIP2C is on the minus strand). VCF-style: chr10-689556-C-T. GRCh37 (hg19) VCF-style: chr10-735496-C-T.
Other names: short protein forms G8D.
Identifiers: ClinVar variation 1949201 (VCV001949201.5), dbSNP rs761909966, ClinGen allele CA5381704.

ClinVar aggregate classification (germline): Uncertain significance (1 of 4 stars; one submission).

Allele frequency attached by ClinVar (database versions not stated): ExAC 0.00005.
gnomAD v4.1: 1 of 1,265,988 alleles (0.000079%); highest among the groups gnomAD compares: Non-Finnish European, 0.0001%; no homozygotes.

Submission:

Labcorp Genetics (formerly Invitae), Labcorp
Classification: Uncertain significance. Last evaluated: 2024-05-22. Review status: criteria provided, single submitter. Criteria: Invitae Variant Classification Sherloc (09022015). Collection method: clinical testing. Allele origin: germline.
Comment: This sequence change replaces glycine, which is neutral and non-polar, with aspartic acid, which is acidic and polar, at codon 8 of the DIP2C protein (p.Gly8Asp). The frequency data for this variant in the population databases is considered unreliable, as metrics indicate poor data quality at this position in the gnomAD database. This variant has not been reported in the literature in individuals affected with DIP2C-related conditions. ClinVar contains an entry for this variant (Variation ID: 1949201). An algorithm developed to predict the effect of missense changes on protein structure and function (PolyPhen-2) suggests that this variant is likely to be tolerated. In summary, the available evidence is currently insufficient to determine the role of this variant in disease. Therefore, it has been classified as a Variant of Uncertain Significance.